The following is an entry in ClinVar:

NM_001267550.2(TTN):c.13599A>G (p.Glu4533=)

Gene: TTN (titin; minus strand). Cytogenetic location: 2q31.2.
Variant type: single nucleotide variant.
Coding change: c.13599A>G on transcript NM_001267550.2 (MANE Select); coding-DNA position 13599, A replaced by G.
Protein change: p.Glu4533=; no amino-acid change (glutamic acid 4533 retained).
Molecular consequence: synonymous variant. On other transcripts: intron variant (1).
Genome position (GRCh38, 1-based): chr2:178,739,634, T>C on the plus strand (A>G on the coding strand, the complement: TTN is on the minus strand). VCF-style: chr2-178739634-T-C. GRCh37 (hg19) VCF-style: chr2-179604361-T-C.
Other names: c.12885A>G, p.Glu4295= (NM_133432.3); c.12648A>G, p.Glu4216= (NM_001256850.1); c.12510A>G, p.Glu4170= (NM_003319.4); c.13086A>G, p.Glu4362= (NM_133437.4); c.10361-1274A>G (NM_133378.4).
Identifiers: ClinVar variation 166231 (VCV000166231.5), dbSNP rs727503654, ClinGen allele CA179013.

ClinVar aggregate classification (germline): Likely benign (1 of 4 stars; one submission).

Submission:

Laboratory for Molecular Medicine, Mass General Brigham Personalized Medicine
Classification: Likely benign. Last evaluated: 2014-08-21. Review status: criteria provided, single submitter. Criteria: LMM Criteria. Collection method: clinical testing. Allele origin: germline. Observed: 1 variant allele.
Comment: Glu4295Glu in exon 45B of TTN: This variant is not expected to have clinical sig nificance because it does not alter an amino acid residue and is not located wit hin the splice consensus sequence.